The following is an entry in ClinVar:

ClinVar aggregate classification (germline): Uncertain significance. Review status: criteria provided, multiple submitters, no conflicts (2 of 4 stars). 2 submissions from 2 submitters: Uncertain significance (2). Last evaluated 2025-09-02.

Conditions:
Hereditary cancer-predisposing syndrome. Also called: Tumor predisposition; Hereditary neoplastic syndrome; Hereditary Cancer Syndrome; Neoplastic Syndromes, Hereditary. Identifiers: Orphanet 140162, MedGen C0027672, MeSH D009386, MONDO:0015356.

Allele frequency attached by ClinVar (database versions not stated): gnomAD 0.00001; TOPMed 0.00001.
gnomAD v4.1: 7 of 1,613,836 alleles (0.00043%); highest among the groups gnomAD compares: Non-Finnish European, 0.00059%; no homozygotes.

Submissions (2):

Labcorp Genetics (formerly Invitae), Labcorp
Classification: Uncertain significance. Last evaluated: 2025-09-02. Review status: criteria provided, single submitter. Criteria: Invitae Variant Classification Sherloc (09022015). Collection method: clinical testing. Allele origin: germline.
Comment: This sequence change replaces methionine, which is neutral and non-polar, with leucine, which is neutral and non-polar, at codon 797 of the POLE protein (p.Met797Leu). This variant is present in population databases (rs142196181, gnomAD 0.002%). This variant has not been reported in the literature in individuals affected with POLE-related conditions. ClinVar contains an entry for this variant (Variation ID: 577630). Invitae Evidence Modeling of protein sequence and biophysical properties (such as structural, functional, and spatial information, amino acid conservation, physicochemical variation, residue mobility, and thermodynamic stability) indicates that this missense variant is not expected to disrupt POLE protein function with a negative predictive value of 80%. In summary, the available evidence is currently insufficient to determine the role of this variant in disease. Therefore, it has been classified as a Variant of Uncertain Significance.

Ambry Genetics
Classification: Uncertain significance for Hereditary cancer-predisposing syndrome. Last evaluated: 2024-04-19. Review status: criteria provided, single submitter. Criteria: Ambry Variant Classification Scheme 2023. Collection method: clinical testing. Allele origin: germline.
Comment: The p.M797L variant (also known as c.2389A>T), located in coding exon 21 of the POLE gene, results from an A to T substitution at nucleotide position 2389. The methionine at codon 797 is replaced by leucine, an amino acid with highly similar properties. This amino acid position is conserved. In addition, this alteration is predicted to be tolerated by in silico analysis. Since supporting evidence is limited at this time, the clinical significance of this alteration remains unclear.

NM_006231.4(POLE):c.2389A>T (p.Met797Leu)

Gene: POLE (DNA polymerase epsilon, catalytic subunit; minus strand). Cytogenetic location: 12q24.33.
Variant type: single nucleotide variant.
Coding change: c.2389A>T on transcript NM_006231.4 (MANE Select); coding-DNA position 2389, A replaced by T.
Protein change: p.Met797Leu; replaces methionine 797 with leucine.
Molecular consequence: missense variant.
Genome position (GRCh38, 1-based): chr12:132,665,381, T>A on the plus strand (A>T on the coding strand, the complement: POLE is on the minus strand). VCF-style: chr12-132665381-T-A. GRCh37 (hg19) VCF-style: chr12-133241967-T-A.
Other names: short protein forms M797L.
Identifiers: ClinVar variation 577630 (VCV000577630.13), dbSNP rs142196181, ClinGen allele CA246319313.